The following is an entry in ClinVar:

ClinVar aggregate classification (germline): Likely benign (0 of 4 stars; one submission).

Conditions:
SH2B1-related disorder. Also called: SH2B1-related condition.

Allele frequency attached by ClinVar (database versions not stated): gnomAD 0.00001; TOPMed 0.00001.
gnomAD v4.1: 21 of 1,614,002 alleles (0.0013%); highest among the groups gnomAD compares: Middle Eastern, 0.016%; no homozygotes.

Submission:

PreventionGenetics, part of Exact Sciences
Classification: Likely benign for SH2B1-related condition. Last evaluated: 2021-01-22. Review status: no assertion criteria provided. Collection method: clinical testing. Allele origin: germline.
Comment: This variant is classified as likely benign based on ACMG/AMP sequence variant interpretation guidelines (Richards et al. 2015 PMID: 25741868, with internal and published modifications).

NM_001387430.1(SH2B1):c.1839G>A (p.Ser613=)

Gene: SH2B1 (SH2B adaptor protein 1; plus strand). Cytogenetic location: 16p11.2.
Variant type: single nucleotide variant.
Coding change: c.1839G>A on transcript NM_001387430.1 (MANE Select); coding-DNA position 1839, G replaced by A.
Protein change: p.Ser613=; no amino-acid change (serine 613 retained).
Molecular consequence: synonymous variant.
Genome position (GRCh38, 1-based): chr16:28,872,647, G>A. VCF-style: chr16-28872647-G-A. GRCh37 (hg19) VCF-style: chr16-28883968-G-A.
Other names: c.1839G>A, p.Ser613= (NM_001145795.2, NM_001145796.2, NM_001145797.2 and 4 more transcripts); c.831G>A, p.Ser277= (NM_001308294.2).
Identifiers: ClinVar variation 3030143 (VCV003030143.2), dbSNP rs898034634, ClinGen allele CA279222988.
Genomic context (GRCh38, chr16:28,872,647, plus strand): 5'-GTTCCAGTCCATTTTCGATATGCTCGAGCACTTCCGGGTGCACCCCATCCCTTTGGAGTC[G>A]GGAGGCTCCAGTGATGTTGTCCTTGTCAGCTATGTCCCATCCTCCCAGCGACAGCAGGGT-3'
Protein context (NP_001374359.1, residues 603-623): HFRVHPIPLE[Ser613=]GGSSDVVLVS